The following is an entry in ClinVar:

NM_172201.2(KCNE2):c.230G>A (p.Arg77Gln)

Genes: KCNE2 (potassium voltage-gated channel subfamily E regulatory subunit 2; plus strand), LOC105372791 (uncharacterized LOC105372791; minus strand). Cytogenetic location: 21q22.11.
Variant type: single nucleotide variant.
Coding change: c.230G>A on transcript NM_172201.2 (MANE Select); coding-DNA position 230, G replaced by A.
Protein change: p.Arg77Gln; replaces arginine 77 with glutamine.
Molecular consequence: missense variant.
Genome position (GRCh38, 1-based): chr21:34,370,708, G>A. VCF-style: chr21-34370708-G-A. GRCh37 (hg19) VCF-style: chr21-35743007-G-A.
Other names: c.230G>A (LRG_291t1); short protein forms R77Q.
Identifiers: ClinVar variation 67616 (VCV000067616.5), dbSNP rs199473365, ClinGen allele CA211464.

ClinVar aggregate classification (germline): Conflicting classifications of pathogenicity. Review status: criteria provided, conflicting classifications (1 of 4 stars). 4 submissions from 4 submitters: Uncertain significance (2); Likely benign (1). 1 of the submissions does not count toward it. Last evaluated 2025-12-03.

Conditions:
Cardiovascular phenotype. Identifiers: MedGen CN230736.
Familial long QT syndrome (RWS). Also called: Congenital long QT syndrome; Romano-Ward syndrome; VENTRICULAR FIBRILLATION WITH PROLONGED QT INTERVAL. Identifiers: Orphanet 768, MedGen C1141890, MONDO:0019171.
Long QT syndrome (LQTS). Identifiers: MedGen C0023976, MeSH D008133, MONDO:0002442. Disease mechanism: loss of function. Inheritance: Various modes of inheritance.
Long QT syndrome 6 (LQT6). Identifiers: Orphanet 101016, Orphanet 768, MedGen C3150953, MONDO:0013370, OMIM 613693.

Allele frequency attached by ClinVar (database versions not stated): gnomAD 0.00001; gnomAD exomes 0.00001; ESP Exome Variant Server 0.00008; TOPMed 0.00002; ExAC 0.00002.

Submissions (4):

Labcorp Genetics (formerly Invitae), Labcorp
Classification: Uncertain significance for Long QT syndrome 6. Last evaluated: 2025-12-03. Review status: criteria provided, single submitter. Criteria: Invitae Variant Classification Sherloc (09022015). Collection method: clinical testing. Allele origin: germline.
Comment: This sequence change replaces arginine, which is basic and polar, with glutamine, which is neutral and polar, at codon 77 of the KCNE2 protein (p.Arg77Gln). This variant is present in population databases (rs199473365, gnomAD 0.008%). This missense change has been observed in individual(s) with clinical features of long QT syndrome (PMID: 19716085). ClinVar contains an entry for this variant (Variation ID: 67616). An algorithm developed to predict the effect of missense changes on protein structure and function outputs the following: PolyPhen-2: "Benign". The glutamine amino acid residue is found in multiple mammalian species, which suggests that this missense change does not adversely affect protein function. In summary, the available evidence is currently insufficient to determine the role of this variant in disease. Therefore, it has been classified as a Variant of Uncertain Significance.

Ambry Genetics
Classification: Likely benign for Cardiovascular phenotype. Last evaluated: 2021-09-24. Review status: criteria provided, single submitter. Criteria: Ambry Variant Classification Scheme 2023. Collection method: clinical testing. Allele origin: germline.

CSER _CC_NCGL, University of Washington
Classification: Uncertain significance for Long QT syndrome. Last evaluated: 2014-06-01. Review status: criteria provided, single submitter. Criteria: Amendola et al. (Genome Res. 2015). Collection method: research. Allele origin: germline. Inheritance: Autosomal dominant inheritance. Study: ESP 6500 variant annotation.
Comment: Low GERP score may suggest that this variant may belong in a lower pathogenicity class

Variants classified for the Actionable exomic incidental findings in 6503 participants: challenges of variant classification manuscript

Cardiovascular Biomedical Research Unit, Royal Brompton & Harefield NHS Foundation Trust
No classification provided. Condition: Familial long QT syndrome. Review status: no classification provided. Collection method: literature only. Allele origin: germline. Not counted in ClinVar's aggregate classification.
Comment: This variant has been reported as associated with Long QT syndrome in the following publications (PMID:19716085). This is a literature report, and does not necessarily reflect the clinical interpretation of the Imperial College / Royal Brompton Cardiovascular Genetics laboratory.

Literature cited by the submitters: PubMed 19716085 (cited by Labcorp Genetics (formerly Invitae), Labcorp and Cardiovascular Biomedical Research Unit, Royal Brompton & Harefield NHS Foundation Trust); PubMed 25637381 (cited by Ambry Genetics); PubMed 28794082 (cited by Ambry Genetics); PubMed 22581653 (cited by Cardiovascular Biomedical Research Unit, Royal Brompton & Harefield NHS Foundation Trust).